The following is an entry in ClinVar:

NM_176824.3(BBS7):c.497C>T (p.Ala166Val)

Gene: BBS7 (Bardet-Biedl syndrome 7; minus strand). Cytogenetic location: 4q27.
Variant type: single nucleotide variant.
Coding change: c.497C>T on transcript NM_176824.3 (MANE Select); coding-DNA position 497, C replaced by T.
Protein change: p.Ala166Val; replaces alanine 166 with valine.
Molecular consequence: missense variant.
Genome position (GRCh38, 1-based): chr4:121,859,023, G>A on the plus strand (C>T on the coding strand, the complement: BBS7 is on the minus strand). VCF-style: chr4-121859023-G-A. GRCh37 (hg19) VCF-style: chr4-122780178-G-A.
Other names: c.497C>T, p.Ala166Val (NM_018190.4); short protein forms A166V.
Identifiers: ClinVar variation 982871 (VCV000982871.9), dbSNP rs1341540567, ClinGen allele CA358042830.
Genomic context (GRCh38, chr4:121,859,023, plus strand): 5'-AAAATTAGAAAAATACAAATAACAGCAACCTGTAAAACTCTGAGCACTCTGTCCTGGCAG[G>A]CCAATACAGGTGTGATACGAGATAATCTTTCCACTGGAAGGCAGATCACATCATTGATTT-3'
Protein context (NP_789794.1, residues 156-176): ERLSRITPVL[Ala166Val]CQDRVLRVLQ

ClinVar aggregate classification (germline): Conflicting classifications of pathogenicity. Review status: criteria provided, conflicting classifications (1 of 4 stars). 4 submissions from 4 submitters: Pathogenic (1); Uncertain significance (3). Last evaluated 2024-06-21.

Conditions:
Bardet-Biedl syndrome (BBS). Identifiers: Orphanet 110, MedGen C0752166, MONDO:0015229.
Bardet-Biedl syndrome 7 (BBS7). Identifiers: Orphanet 110, MedGen C1859565, MONDO:0014435, OMIM 615984.

gnomAD v4.1: 13 of 1,613,746 alleles (0.00081%); highest among the groups gnomAD compares: Non-Finnish European, 0.001%; no homozygotes.

Submissions (4):

Blueprint Genetics
Classification: Uncertain significance. Last evaluated: 2024-06-21. Review status: criteria provided, single submitter. Criteria: ACMG Guidelines, 2015. Collection method: clinical testing. Allele origin: germline.

Labcorp Genetics (formerly Invitae), Labcorp
Classification: Pathogenic for Bardet-Biedl syndrome. Last evaluated: 2022-11-22. Review status: criteria provided, single submitter. Criteria: Invitae Variant Classification Sherloc (09022015). Collection method: clinical testing. Allele origin: germline.
Comment: For these reasons, this variant has been classified as Pathogenic. Advanced modeling of protein sequence and biophysical properties (such as structural, functional, and spatial information, amino acid conservation, physicochemical variation, residue mobility, and thermodynamic stability) performed at Invitae indicates that this missense variant is expected to disrupt BBS7 protein function. ClinVar contains an entry for this variant (Variation ID: 982871). This missense change has been observed in individual(s) with clinical features of Bardet-Biedl syndrome (Invitae). This variant is not present in population databases (gnomAD no frequency). This sequence change replaces alanine, which is neutral and non-polar, with valine, which is neutral and non-polar, at codon 166 of the BBS7 protein (p.Ala166Val).

Laboratorio de Genetica e Diagnostico Molecular, Hospital Israelita Albert Einstein
Classification: Uncertain significance. Last evaluated: 2021-05-20. Review status: criteria provided, single submitter. Criteria: ACMG Guidelines, 2015. Collection method: clinical testing. Allele origin: germline. Affected: yes.
Comment: ACMG classification criteria: PM2, PP3

Institute of Human Genetics, University of Leipzig Medical Center
Classification: Uncertain significance for Bardet-Biedl syndrome 7. Last evaluated: 2019-01-01. Review status: criteria provided, single submitter. Criteria: ACMG Guidelines, 2015. Collection method: clinical testing. Allele origin: unknown. Affected: yes.